The following is an entry in ClinVar:

ClinVar aggregate classification (germline): Uncertain significance (1 of 4 stars; one submission).

Conditions:
Combined immunodeficiency due to DOCK8 deficiency (HIES2). Also called: HIES autosomal recessive; HYPER-IgE RECURRENT INFECTION SYNDROME 2, AUTOSOMAL RECESSIVE; HYPER-IgE SYNDROME 2, AUTOSOMAL RECESSIVE, WITH RECURRENT INFECTIONS; Hyper-IgE recurrent infection syndrome, autosomal recessive; DOCK8 Deficiency. Identifiers: Orphanet 217390, MedGen C4722305, MONDO:0009478, OMIM 243700.

Allele frequency attached by ClinVar (database versions not stated): gnomAD exomes 0.00001; TOPMed 0.00001.
gnomAD v4.1: 7 of 1,612,628 alleles (0.00043%); highest among the groups gnomAD compares: South Asian, 0.0011%; no homozygotes.

Submission:

Labcorp Genetics (formerly Invitae), Labcorp
Classification: Uncertain significance for Combined immunodeficiency due to DOCK8 deficiency. Last evaluated: 2022-11-01. Review status: criteria provided, single submitter. Criteria: Invitae Variant Classification Sherloc (09022015). Collection method: clinical testing. Allele origin: germline.
Comment: In summary, the available evidence is currently insufficient to determine the role of this variant in disease. Therefore, it has been classified as a Variant of Uncertain Significance. Variants that disrupt the consensus splice site are a relatively common cause of aberrant splicing (PMID: 17576681, 9536098). Algorithms developed to predict the effect of sequence changes on RNA splicing suggest that this variant may create or strengthen a splice site. ClinVar contains an entry for this variant (Variation ID: 946041). This variant has not been reported in the literature in individuals affected with DOCK8-related conditions. This variant is not present in population databases (gnomAD no frequency). This sequence change affects codon 599 of the DOCK8 mRNA. It is a 'silent' change, meaning that it does not change the encoded amino acid sequence of the DOCK8 protein. This variant also falls at the last nucleotide of exon 15, which is part of the consensus splice site for this exon.

Literature cited by the submitters: PubMed 17576681; PubMed 9536098.

NM_203447.4(DOCK8):c.1797G>A (p.Pro599=)

Gene: DOCK8 (dedicator of cytokinesis 8; plus strand). Cytogenetic location: 9p24.3.
Variant type: single nucleotide variant.
Coding change: c.1797G>A on transcript NM_203447.4 (MANE Select); coding-DNA position 1797, G replaced by A.
Protein change: p.Pro599=; no amino-acid change (proline 599 retained).
Molecular consequence: synonymous variant.
Genome position (GRCh38, 1-based): chr9:368,135, G>A. VCF-style: chr9-368135-G-A. GRCh37 (hg19) VCF-style: chr9-368135-G-A.
Other names: c.1593G>A, p.Pro531= (NM_001190458.2, NM_001193536.2).
Identifiers: ClinVar variation 946041 (VCV000946041.7), dbSNP rs1348614394, ClinGen allele CA463684098.
Genomic context (GRCh38, chr9:368,135, plus strand): 5'-CCGGAACATTACAATAAAGATCCAGTTTATGTGTGGAGAAGATGCTAGCAATGCGATGCC[G>A]GTAAGGAGGGAAACGAACATTTGCCTCAAATCAGGGTGGGCTGCTCACCCCTGTCACTTC-3'
Protein context (NP_982272.2, residues 589-609): MCGEDASNAM[Pro599=]VIFGKSSGPE